The following is an entry in ClinVar:

NM_015978.3(TNNI3K):c.536A>G (p.His179Arg)

Genes: FPGT-TNNI3K (FPGT-TNNI3K readthrough; plus strand), TNNI3K (TNNI3 interacting kinase; plus strand). Cytogenetic location: 1p31.1.
Variant type: single nucleotide variant.
Coding change: c.536A>G on transcript NM_015978.3 (MANE Select); coding-DNA position 536, A replaced by G.
Protein change: p.His179Arg; replaces histidine 179 with arginine.
Molecular consequence: missense variant.
Genome position (GRCh38, 1-based): chr1:74,331,541, A>G. VCF-style: chr1-74331541-A-G. GRCh37 (hg19) VCF-style: chr1-74797225-A-G.
Other names: c.839A>G, p.His280Arg (NM_001112808.3, NM_001199327.2); short protein forms H179R, H280R.
Identifiers: ClinVar variation 3608413 (VCV003608413.2).
Genomic context (GRCh38, chr1:74,331,541, plus strand): 5'-ATGTCAATATTCAAGATGCAGTTTTTTTCACTCCATTGCATATTGCAGCGTACTATGGAC[A>G]TGAACAGGTAAGTCTGACAGTAGGATTTCCAAAGGTTAGGTGTTGCTTAAGTGTAGGCTT-3'
Protein context (NP_057062.1, residues 169-189): TPLHIAAYYG[His179Arg]EQVTRLLLKF

ClinVar aggregate classification (germline): Uncertain significance (1 of 4 stars; one submission).

gnomAD v4.1: 15 of 1,610,554 alleles (0.00093%); highest among the groups gnomAD compares: African/African-American, 0.0013%; no homozygotes.

Submission:

Labcorp Genetics (formerly Invitae), Labcorp
Classification: Uncertain significance. Last evaluated: 2024-07-22. Review status: criteria provided, single submitter. Criteria: Invitae Variant Classification Sherloc (09022015). Collection method: clinical testing. Allele origin: germline.
Comment: This sequence change replaces histidine, which is basic and polar, with arginine, which is basic and polar, at codon 179 of the TNNI3K protein (p.His179Arg). This variant is present in population databases (rs750423126, gnomAD 0.007%). This variant has not been reported in the literature in individuals affected with TNNI3K-related conditions. Advanced modeling of protein sequence and biophysical properties (such as structural, functional, and spatial information, amino acid conservation, physicochemical variation, residue mobility, and thermodynamic stability) performed at Invitae indicates that this missense variant is not expected to disrupt TNNI3K protein function with a negative predictive value of 80%. In summary, the available evidence is currently insufficient to determine the role of this variant in disease. Therefore, it has been classified as a Variant of Uncertain Significance.